The following is an entry in ClinVar:

NM_001128178.3(NPHP1):c.574G>C (p.Ala192Pro)

Gene: NPHP1 (nephrocystin 1; minus strand). Cytogenetic location: 2q13.
Variant type: single nucleotide variant.
Coding change: c.574G>C on transcript NM_001128178.3 (MANE Select); coding-DNA position 574, G replaced by C.
Protein change: p.Ala192Pro; replaces alanine 192 with proline.
Molecular consequence: missense variant.
Genome position (GRCh38, 1-based): chr2:110,168,502, C>G on the plus strand (G>C on the coding strand, the complement: NPHP1 is on the minus strand). VCF-style: chr2-110168502-C-G. GRCh37 (hg19) VCF-style: chr2-110926079-C-G.
Other names: c.574G>C, p.Ala192Pro (NM_000272.5, NM_001374256.1, NM_001374257.1 and 1 more transcripts); c.388G>C, p.Ala130Pro (NM_001128179.3); short protein forms A192P, A130P.
Identifiers: ClinVar variation 4992861 (VCV004992861.1).

ClinVar aggregate classification (germline): Uncertain significance (1 of 4 stars; one submission).

Conditions:
NPHP1-related disorder. Also called: NPHP1-related condition; NPHP1-related disorders.

Submission:

PreventionGenetics, part of Exact Sciences
Classification: Uncertain significance for NPHP1-related condition. Last evaluated: 2026-08-12. Review status: criteria provided, single submitter. Criteria: ACMG Guidelines, 2015. Collection method: clinical testing. Allele origin: germline.
Comment: The NPHP1 c.574G>C variant is predicted to result in the amino acid substitution p.Ala192Pro. To our knowledge, this variant has not been reported in the literature or in a large population database (gnomAD), indicating this variant is rare. At this time, the clinical significance of this variant is uncertain due to the absence of conclusive functional and genetic evidence.